The following is an entry in ClinVar:

NM_000161.3(GCH1):c.543T>G (p.Val181=)

Gene: GCH1 (GTP cyclohydrolase 1; minus strand). Cytogenetic location: 14q22.2.
Variant type: single nucleotide variant.
Coding change: c.543T>G on transcript NM_000161.3 (MANE Select); coding-DNA position 543, T replaced by G.
Protein change: p.Val181=; no amino-acid change (valine 181 retained).
Molecular consequence: synonymous variant.
Genome position (GRCh38, 1-based): chr14:54,845,851, A>C on the plus strand (T>G on the coding strand, the complement: GCH1 is on the minus strand). VCF-style: chr14-54845851-A-C. GRCh37 (hg19) VCF-style: chr14-55312569-A-C.
Other names: c.543T>G, p.Val181= (NM_001024024.2, NM_001024070.2, NM_001024071.2).
Identifiers: ClinVar variation 313393 (VCV000313393.13), dbSNP rs765670568, ClinGen allele CA7193537.

ClinVar aggregate classification (germline): Conflicting classifications of pathogenicity. Review status: criteria provided, conflicting classifications (1 of 4 stars). 4 submissions from 3 submitters: Uncertain significance (2); Likely benign (2). Last evaluated 2025-03-31.

Conditions:
GTP cyclohydrolase I deficiency. Identifiers: MedGen C0268467, MONDO:0100184.
Dystonia 5 (DRD). Also called: DYSTONIA, PROGRESSIVE, WITH DIURNAL VARIATION; DYSTONIA-PARKINSONISM WITH DIURNAL FLUCTUATION; Dystonia, DOPA-responsive, with or without hyperphenylalaninemia; GTP Cyclohydrolase 1-Deficient Dopa-Responsive Dystonia; DYT-GCH1. Identifiers: Orphanet 98808, MedGen C1851920, MONDO:0007495, OMIM 128230.

Allele frequency attached by ClinVar (database versions not stated): ExAC 0.00002; TOPMed 0.00004; gnomAD 0.00005; gnomAD exomes 0.00005 and 0.00009.
gnomAD v4.1: 134 of 1,578,766 alleles (0.0085%); highest among the groups gnomAD compares: Non-Finnish European, 0.011%; no homozygotes.

Submissions (4):

Labcorp Genetics (formerly Invitae), Labcorp
Classification: Likely benign for GTP cyclohydrolase I deficiency; Dystonia 5. Last evaluated: 2025-03-31. Review status: criteria provided, single submitter. Criteria: Invitae Variant Classification Sherloc (09022015). Collection method: clinical testing. Allele origin: germline.

GeneDx
Classification: Uncertain significance. Last evaluated: 2024-05-24. Review status: criteria provided, single submitter. Criteria: GeneDx Variant Classification Process June 2021. Collection method: clinical testing. Allele origin: germline. Affected: yes.
Comment: Has not been previously published as pathogenic or benign to our knowledge; In silico analysis suggests this variant may impact gene splicing. In the absence of RNA/functional studies, the actual effect of this sequence change is unknown.

Illumina Laboratory Services, Illumina
Classification: Uncertain significance for GTP cyclohydrolase I deficiency with hyperphenylalaninemia. Last evaluated: 2018-01-12. Review status: criteria provided, single submitter. Criteria: ICSL Variant Classification Criteria 13 December 2019. Collection method: clinical testing. Allele origin: germline.

Illumina Laboratory Services, Illumina
Classification: Likely benign for Dystonia 5. Last evaluated: 2018-01-12. Review status: criteria provided, single submitter. Criteria: ICSL Variant Classification Criteria 13 December 2019. Collection method: clinical testing. Allele origin: germline.
Comment: This variant was observed in the ICSL laboratory as part of a predisposition screen in an ostensibly healthy population. It had not been previously curated by ICSL or reported in the Human Gene Mutation Database (HGMD: prior to June 1st, 2018), and was therefore a candidate for classification through an automated scoring system. Utilizing variant allele frequency, disease prevalence and penetrance estimates, and inheritance mode, an automated score was calculated to assess if this variant is too frequent to cause the disease. Based on the score and internal cut-off values, a variant classified as likely benign is not then subjected to further curation. The score for this variant resulted in a classification of likely benign for this disease.